The following is an entry in ClinVar:

NM_006371.5(CRTAP):c.472-1021C>G

Gene: CRTAP (cartilage associated protein; plus strand). Cytogenetic location: 3p22.3.
Variant type: single nucleotide variant.
Coding change: c.472-1021C>G on transcript NM_006371.5 (MANE Select); 1021 bases into the intron before coding-DNA position 472, C replaced by G.
Molecular consequence: intron variant.
Genome position (GRCh38, 1-based): chr3:33,119,323, C>G. VCF-style: chr3-33119323-C-G. GRCh37 (hg19) VCF-style: chr3-33160815-C-G.
Other names: IVS1, -1021C-G; c.472-1021C>G (NM_006371.4, NM_001393363.1, NM_001393364.1); c.471+4775C>G (NM_001393365.1).
Identifiers: ClinVar variation 4947 (VCV000004947.2), dbSNP rs72659360, ClinGen allele CA72702931.

ClinVar aggregate classification (germline): Likely pathogenic. Review status: criteria provided, single submitter (1 of 4 stars). 2 submissions from 2 submitters: Likely pathogenic (1). 1 of the submissions does not count toward it. Last evaluated 2023-05-09.

Conditions:
CRTAP-related disorder. Also called: CRTAP-related condition.
Osteogenesis imperfecta type 7 (OI7). Also called: Osteogenesis imperfecta type 2B; OI type 2B; Osteogenesis imperfecta, perinatal lethal autosomal recessive; OI type IIB; OSTEOGENESIS IMPERFECTA, TYPE IIB; OI type 7. Identifiers: MedGen C1853162, MONDO:0012536, OMIM 610682.

Submissions (2):

PreventionGenetics, part of Exact Sciences
Classification: Likely pathogenic for CRTAP-related condition. Last evaluated: 2023-05-09. Review status: criteria provided, single submitter. Criteria: ACMG Guidelines, 2015. Collection method: clinical testing. Allele origin: germline.
Comment: The CRTAP c.472-1021C>G variant is predicted to interfere with splicing. This variant is predicted to create a cryptic splice donor site according to available splicing in silico algorithms (Alamut Visual Plus v1.6.1). This variant has been reported to segregate with autosomal recessive osteogenesis imperfecta in a large pedigree. Functional studies support altered splicing leading to a frameshifted protein product. (Morello et al. 2006. PubMed ID: 17055431; Bardai et al. 2016. PubMed ID: 27509835; Ward et al. 2002. PubMed ID: 12110406). This variant has not been reported in a large population database, indicating this variant is rare. This variant is classified as likely pathogenic.

OMIM
Classification: Pathogenic for OSTEOGENESIS IMPERFECTA, TYPE VII. Last evaluated: 2006-10-20. Review status: no assertion criteria provided. Collection method: literature only. Allele origin: germline. Not counted in ClinVar's aggregate classification.

Literature cited by the submitters: PubMed 12110406 (cited by OMIM); PubMed 17055431 (cited by OMIM).